The following is an entry in ClinVar:

ClinVar aggregate classification (germline): Uncertain significance. Review status: criteria provided, multiple submitters, no conflicts (2 of 4 stars). 2 submissions from 2 submitters: Uncertain significance (2). Last evaluated 2025-12-09.

Allele frequency attached by ClinVar (database versions not stated): gnomAD exomes 0.00001.
gnomAD v4.1: 4 of 1,614,138 alleles (0.00025%); highest among the groups gnomAD compares: Admixed American, 0.005%; no homozygotes.

Submissions (2):

Ambry Genetics
Classification: Uncertain significance. Last evaluated: 2025-12-09. Review status: criteria provided, single submitter. Criteria: Ambry Variant Classification Scheme 2023. Collection method: clinical testing. Allele origin: germline.

Labcorp Genetics (formerly Invitae), Labcorp
Classification: Uncertain significance. Last evaluated: 2025-03-15. Review status: criteria provided, single submitter. Criteria: Invitae Variant Classification Sherloc (09022015). Collection method: clinical testing. Allele origin: germline.
Comment: This sequence change replaces proline, which is neutral and non-polar, with alanine, which is neutral and non-polar, at codon 40 of the RFWD3 protein (p.Pro40Ala). This variant is present in population databases (no rsID available, gnomAD 0.009%). This variant has not been reported in the literature in individuals affected with RFWD3-related conditions. ClinVar contains an entry for this variant (Variation ID: 2144499). An algorithm developed to predict the effect of missense changes on protein structure and function outputs the following: PolyPhen-2: "Benign". The alanine amino acid residue is found in multiple mammalian species, which suggests that this missense change does not adversely affect protein function. In summary, the available evidence is currently insufficient to determine the role of this variant in disease. Therefore, it has been classified as a Variant of Uncertain Significance.

NM_018124.4(RFWD3):c.118C>G (p.Pro40Ala)

Gene: RFWD3 (ring finger and WD repeat domain 3; minus strand). Cytogenetic location: 16q23.1.
Variant type: single nucleotide variant.
Coding change: c.118C>G on transcript NM_018124.4 (MANE Select); coding-DNA position 118, C replaced by G.
Protein change: p.Pro40Ala; replaces proline 40 with alanine.
Molecular consequence: missense variant. On other transcripts: 5 prime UTR variant (4), intron variant (1).
Genome position (GRCh38, 1-based): chr16:74,661,332, G>C on the plus strand (C>G on the coding strand, the complement: RFWD3 is on the minus strand). VCF-style: chr16-74661332-G-C. GRCh37 (hg19) VCF-style: chr16-74695230-G-C.
Other names: c.118C>G (NM_018124.3); c.118C>G, p.Pro40Ala (NM_001370534.1, NM_001370535.1, NM_001370536.1); c.-891C>G (NM_001370537.1); c.-514C>G (NM_001370539.1, NM_001370541.1); c.-768C>G (NM_001370542.1); c.-646C>G (NM_001370543.1); c.-317+3292C>G (NM_001370540.1); short protein forms P40A.
Identifiers: ClinVar variation 2144499 (VCV002144499.6), dbSNP rs938342974, ClinGen allele CA283771050.